The following is an entry in ClinVar:

NM_006361.6(HOXB13):c.650_659dup (p.Ile221fs)

Gene: HOXB13 (homeobox B13; minus strand). Cytogenetic location: 17q21.32.
Variant type: Duplication.
Coding change: c.650_659dup on transcript NM_006361.6 (MANE Select); coding-DNA positions 650 to 659, 10 bases duplicated (GCAAGAAACG; older notation c.650_659dupGCAAGAAACG).
Protein change: p.Ile221fs; shifts the reading frame from isoleucine 221.
Molecular consequence: frameshift variant.
Genome position (GRCh38, 1-based): chr17:48,726,986-48,726,995, CGTTTCTTGC duplicated on the plus strand (GCAAGAAACG on the coding strand, the reverse complement: HOXB13 is on the minus strand). VCF-style (leftmost placement, unchanged base first): chr17-48726985-G-GCGTTTCTTGC. GRCh37 (hg19) VCF-style: chr17-46804347-G-GCGTTTCTTGC.
Other names: c.650_659dupGCAAGAAACG (NM_006361.5); short protein forms I221fs.
Identifiers: ClinVar variation 3371111 (VCV003371111.2).

ClinVar aggregate classification (germline): Uncertain significance. Review status: criteria provided, multiple submitters, no conflicts (2 of 4 stars). 2 submissions from 2 submitters: Uncertain significance (2). Last evaluated 2026-08-03.

Conditions:
Hereditary cancer-predisposing syndrome. Also called: Tumor predisposition; Hereditary Cancer Syndrome; Hereditary neoplastic syndrome; Neoplastic Syndromes, Hereditary. Identifiers: Orphanet 140162, MedGen C0027672, MeSH D009386, MONDO:0015356.

Submissions (2):

Ambry Genetics
Classification: Uncertain significance for Hereditary cancer-predisposing syndrome. Last evaluated: 2026-08-03. Review status: criteria provided, single submitter. Criteria: Ambry Variant Classification Scheme 2023. Collection method: clinical testing. Allele origin: germline.
Comment: The c.650_659dup10 variant, located in coding exon 2 of the HOXB13 gene, results from a duplication of GCAAGAAACG at nucleotide position 650, causing a translational frameshift with a predicted alternate stop codon (p.I221Qfs*21). This variant occurs at the 3' terminus of the gene and is not expected to trigger nonsense-mediated mRNA decay. Based on the available evidence, the clinical significance of this variant remains unclear.

GeneDx
Classification: Uncertain significance. Last evaluated: 2024-03-20. Review status: criteria provided, single submitter. Criteria: GeneDx Variant Classification Process June 2021. Collection method: clinical testing. Allele origin: germline. Affected: yes.
Comment: Not observed at significant frequency in large population cohorts (gnomAD); Has not been previously published as pathogenic or benign to our knowledge; Frameshift variant predicted to result in abnormal protein length as the last 64 amino acids are replaced with 20 different amino acids in a gene for which loss-of-function is not an established mechanism of disease; This variant is associated with the following publications: (PMID: 19389631, 8756292)